The following is an entry in ClinVar:

ClinVar aggregate classification (germline): Uncertain significance (1 of 4 stars; one submission).

Conditions:
Melanoma, cutaneous malignant, susceptibility to, 5. Also called: Cutaneous malignant melanoma 5. Identifiers: Orphanet 618, MedGen C2751295, MONDO:0013133, OMIM 613099.

Submission:

Labcorp Genetics (formerly Invitae), Labcorp
Classification: Uncertain significance for Melanoma, cutaneous malignant, susceptibility to, 5. Last evaluated: 2022-01-11. Review status: criteria provided, single submitter. Criteria: Invitae Variant Classification Sherloc (09022015). Collection method: clinical testing. Allele origin: germline.
Comment: This sequence change creates a premature translational stop signal (p.Lys226*) in the MC1R gene. While this is not anticipated to result in nonsense mediated decay, it is expected to disrupt the last 92 amino acid(s) of the MC1R protein. This variant is present in population databases (no rsID available, gnomAD 0.0009%). This variant has not been reported in the literature in individuals affected with MC1R-related conditions. In summary, the available evidence is currently insufficient to determine the role of this variant in disease. Therefore, it has been classified as a Variant of Uncertain Significance.

NM_002386.4(MC1R):c.676A>T (p.Lys226Ter)

Gene: MC1R (melanocortin 1 receptor; plus strand). Cytogenetic location: 16q24.3.
Variant type: single nucleotide variant.
Coding change: c.676A>T on transcript NM_002386.4 (MANE Select); coding-DNA position 676, A replaced by T.
Protein change: p.Lys226Ter; replaces lysine 226 with a stop codon.
Molecular consequence: nonsense.
Genome position (GRCh38, 1-based): chr16:89,919,934, A>T. VCF-style: chr16-89919934-A-T. GRCh37 (hg19) VCF-style: chr16-89986342-A-T.
Other names: short protein forms K226*.
Identifiers: ClinVar variation 2084695 (VCV002084695.4), dbSNP rs1216644651, ClinGen allele CA397462717.